The following is an entry in ClinVar:

ClinVar aggregate classification (germline): Uncertain significance (1 of 4 stars; one submission).

Submission:

Labcorp Genetics (formerly Invitae), Labcorp
Classification: Uncertain significance. Last evaluated: 2024-10-06. Review status: criteria provided, single submitter. Criteria: Invitae Variant Classification Sherloc (09022015). Collection method: clinical testing. Allele origin: germline.
Comment: This sequence change replaces tyrosine, which is neutral and polar, with cysteine, which is neutral and slightly polar, at codon 219 of the PRPF8 protein (p.Tyr219Cys). This variant is not present in population databases (gnomAD no frequency). This variant has not been reported in the literature in individuals affected with PRPF8-related conditions. An algorithm developed to predict the effect of missense changes on protein structure and function (PolyPhen-2) suggests that this variant is likely to be tolerated. In summary, the available evidence is currently insufficient to determine the role of this variant in disease. Therefore, it has been classified as a Variant of Uncertain Significance.

NM_006445.4(PRPF8):c.656A>G (p.Tyr219Cys)

Gene: PRPF8 (pre-mRNA processing factor 8; minus strand). Cytogenetic location: 17p13.3.
Variant type: single nucleotide variant.
Coding change: c.656A>G on transcript NM_006445.4 (MANE Select); coding-DNA position 656, A replaced by G.
Protein change: p.Tyr219Cys; replaces tyrosine 219 with cysteine.
Molecular consequence: missense variant.
Genome position (GRCh38, 1-based): chr17:1,681,688, T>C on the plus strand (A>G on the coding strand, the complement: PRPF8 is on the minus strand). VCF-style: chr17-1681688-T-C. GRCh37 (hg19) VCF-style: chr17-1584982-T-C.
Other names: short protein forms Y219C.
Identifiers: ClinVar variation 3695152 (VCV003695152.2).